The following is an entry in ClinVar:

NM_177438.3(DICER1):c.961G>A (p.Val321Ile)

Gene: DICER1 (dicer 1, ribonuclease III; minus strand). Cytogenetic location: 14q32.13.
Variant type: single nucleotide variant.
Coding change: c.961G>A on transcript NM_177438.3 (MANE Select); coding-DNA position 961, G replaced by A.
Protein change: p.Val321Ile; replaces valine 321 with isoleucine.
Molecular consequence: missense variant.
Genome position (GRCh38, 1-based): chr14:95,124,611, C>T on the plus strand (G>A on the coding strand, the complement: DICER1 is on the minus strand). VCF-style: chr14-95124611-C-T. GRCh37 (hg19) VCF-style: chr14-95590948-C-T.
Other names: c.961G>A, p.Val321Ile (NM_001195573.1, NM_001271282.3, NM_001291628.2 and 1 more transcripts); short protein forms V321I.
Identifiers: ClinVar variation 823376 (VCV000823376.13), dbSNP rs1595440377, ClinGen allele CA390887283.

ClinVar aggregate classification (germline): Uncertain significance. Review status: criteria provided, multiple submitters, no conflicts (2 of 4 stars). 2 submissions from 2 submitters: Uncertain significance (2). Last evaluated 2023-11-30.

Conditions:
DICER1-related tumor predisposition. Also called: DICER1-related pleuropulmonary blastoma cancer predisposition syndrome; DICER1 syndrome. Identifiers: Orphanet 284343, MedGen C3839822, MONDO:0100216.
Hereditary cancer-predisposing syndrome. Also called: Hereditary Cancer Syndrome; Neoplastic Syndromes, Hereditary; Hereditary neoplastic syndrome; Tumor predisposition. Identifiers: Orphanet 140162, MedGen C0027672, MeSH D009386, MONDO:0015356.

Submissions (2):

Ambry Genetics
Classification: Uncertain significance for Hereditary cancer-predisposing syndrome. Last evaluated: 2023-11-30. Review status: criteria provided, single submitter. Criteria: Ambry Variant Classification Scheme 2023. Collection method: clinical testing. Allele origin: germline.
Comment: The p.V321I variant (also known as c.961G>A), located in coding exon 7 of the DICER1 gene, results from a G to A substitution at nucleotide position 961. The valine at codon 321 is replaced by isoleucine, an amino acid with highly similar properties. This amino acid position is well conserved in available vertebrate species. In addition, this alteration is predicted to be tolerated by in silico analysis. Since supporting evidence is limited at this time, the clinical significance of this alteration remains unclear.

Labcorp Genetics (formerly Invitae), Labcorp
Classification: Uncertain significance for DICER1-related tumor predisposition. Last evaluated: 2022-08-23. Review status: criteria provided, single submitter. Criteria: Invitae Variant Classification Sherloc (09022015). Collection method: clinical testing. Allele origin: germline.
Comment: Algorithms developed to predict the effect of missense changes on protein structure and function (SIFT, PolyPhen-2, Align-GVGD) all suggest that this variant is likely to be tolerated. This sequence change replaces valine, which is neutral and non-polar, with isoleucine, which is neutral and non-polar, at codon 321 of the DICER1 protein (p.Val321Ile). This variant is not present in population databases (gnomAD no frequency). This variant has not been reported in the literature in individuals affected with DICER1-related conditions. ClinVar contains an entry for this variant (Variation ID: 823376). In summary, the available evidence is currently insufficient to determine the role of this variant in disease. Therefore, it has been classified as a Variant of Uncertain Significance.